The following is an entry in ClinVar:

ClinVar aggregate classification (germline): Uncertain significance (1 of 4 stars; one submission).

gnomAD v4.1: 2 of 1,595,478 alleles (0.00013%); highest among the groups gnomAD compares: East Asian, 0.0046%; no homozygotes.

Submission:

Labcorp Genetics (formerly Invitae), Labcorp
Classification: Uncertain significance. Last evaluated: 2025-08-06. Review status: criteria provided, single submitter. Criteria: Invitae Variant Classification Sherloc (09022015). Collection method: clinical testing. Allele origin: germline.
Comment: This sequence change replaces leucine, which is neutral and non-polar, with phenylalanine, which is neutral and non-polar, at codon 78 of the KLF1 protein (p.Leu78Phe). The frequency data for this variant in the population databases is considered unreliable, as metrics indicate poor data quality at this position in the gnomAD database. This variant has not been reported in the literature in individuals affected with KLF1-related conditions. Invitae Evidence Modeling of protein sequence and biophysical properties (such as structural, functional, and spatial information, amino acid conservation, physicochemical variation, residue mobility, and thermodynamic stability) indicates that this missense variant is not expected to disrupt KLF1 protein function with a negative predictive value of 80%. In summary, the available evidence is currently insufficient to determine the role of this variant in disease. Therefore, it has been classified as a Variant of Uncertain Significance.

NM_006563.5(KLF1):c.232C>T (p.Leu78Phe)

Gene: KLF1 (KLF transcription factor 1; minus strand). Cytogenetic location: 19p13.13.
Variant type: single nucleotide variant.
Coding change: c.232C>T on transcript NM_006563.5 (MANE Select); coding-DNA position 232, C replaced by T.
Protein change: p.Leu78Phe; replaces leucine 78 with phenylalanine.
Molecular consequence: missense variant.
Genome position (GRCh38, 1-based): chr19:12,885,998, G>A on the plus strand (C>T on the coding strand, the complement: KLF1 is on the minus strand). VCF-style: chr19-12885998-G-A. GRCh37 (hg19) VCF-style: chr19-12996812-G-A.
Other names: short protein forms L78F.
Identifiers: ClinVar variation 4765075 (VCV004765075.1).
Genomic context (GRCh38, chr19:12,885,998, plus strand): 5'-GCGCCAGAGCGCAGGTCTGGGGCGCGCCACCGGGCTCCGGGCCCGAGAAGTTGGTGAGGA[G>A]GAGATCCAGGTCCCAGGTGGCGTCCGCGCCCCTCTCATCGTCCTCTTCCTCCCCGGGCTG-3'
Protein context (NP_006554.1, residues 68-88): GADATWDLDL[Leu78Phe]LTNFSGPEPG